The following is an entry in ClinVar:

ClinVar aggregate classification (germline): Conflicting classifications of pathogenicity. Review status: criteria provided, conflicting classifications (1 of 4 stars). 2 submissions from 2 submitters: Likely pathogenic (1); Uncertain significance (1). Last evaluated 2023-07-21.

Conditions:
Lissencephaly due to TUBA1A mutation (CDCBM16). Also called: CORTICAL DYSPLASIA, COMPLEX, WITH OTHER BRAIN MALFORMATIONS 16; Lissencephaly 3. Identifiers: Orphanet 171680, MedGen C4305153, MONDO:0012703, OMIM 611603.

Submissions (2):

Baylor Genetics
Classification: Likely pathogenic for Lissencephaly due to TUBA1A mutation. Last evaluated: 2023-07-21. Review status: criteria provided, single submitter. Criteria: ACMG Guidelines, 2015. Collection method: clinical testing. Allele origin: unknown.

GeneDx
Classification: Uncertain significance. Last evaluated: 2023-05-10. Review status: criteria provided, single submitter. Criteria: GeneDx Variant Classification Process June 2021. Collection method: clinical testing. Allele origin: germline. Affected: yes.
Comment: Not observed at significant frequency in large population cohorts (gnomAD); Missense variants in this gene are often considered pathogenic (HGMD); In silico analysis supports that this missense variant does not alter protein structure/function; Has not been previously published as pathogenic or benign to our knowledge

NM_006009.4(TUBA1A):c.870G>T (p.Glu290Asp)

Gene: TUBA1A (tubulin alpha 1a; minus strand). Cytogenetic location: 12q13.12.
Variant type: single nucleotide variant.
Coding change: c.870G>T on transcript NM_006009.4 (MANE Select); coding-DNA position 870, G replaced by T.
Protein change: p.Glu290Asp; replaces glutamic acid 290 with aspartic acid.
Molecular consequence: missense variant.
Genome position (GRCh38, 1-based): chr12:49,185,496, C>A on the plus strand (G>T on the coding strand, the complement: TUBA1A is on the minus strand). VCF-style: chr12-49185496-C-A. GRCh37 (hg19) VCF-style: chr12-49579279-C-A.
Other names: c.870G>T, p.Glu290Asp (NM_001270399.2); c.765G>T, p.Glu255Asp (NM_001270400.2); c.870G>T (NM_006009.2); short protein forms E255D, E290D.
Identifiers: ClinVar variation 2582653 (VCV002582653.2), dbSNP rs1555162335, ClinGen allele CA384639006.